The following is an entry in ClinVar:

ClinVar aggregate classification (germline): Likely pathogenic (1 of 4 stars; one submission).

Conditions:
Primary ciliary dyskinesia. Also called: Ciliary dyskinesia. Identifiers: Orphanet 244, MedGen C0008780, MONDO:0016575, HP:0012265.

Submission:

Natera, Inc.
Classification: Likely pathogenic for Primary ciliary dyskinesia. Last evaluated: 2025-08-15. Review status: criteria provided, single submitter. Criteria: Natera Variant Classification Schema (03/2026). Collection method: clinical testing. Allele origin: germline.
Comment: The c.11811G>A variant in DNAH5 is a nonsense variant predicted to introduce a stop codon at amino acid 3937. This variant is expected to result in nonsense mediated decay, truncation, or a dysfunctional protein product. This variant is rare in the general population with a frequency below the threshold expected for the associated phenotype(s). Given the available evidence, this variant is classified as Likely Pathogenic.

NM_001369.3(DNAH5):c.11811G>A (p.Trp3937Ter)

Gene: DNAH5 (dynein axonemal heavy chain 5; minus strand). Cytogenetic location: 5p15.2.
Variant type: single nucleotide variant.
Coding change: c.11811G>A on transcript NM_001369.3 (MANE Select); coding-DNA position 11811, G replaced by A.
Protein change: p.Trp3937Ter; replaces tryptophan 3937 with a stop codon.
Molecular consequence: nonsense.
Genome position (GRCh38, 1-based): chr5:13,729,511, C>T on the plus strand (G>A on the coding strand, the complement: DNAH5 is on the minus strand). VCF-style: chr5-13729511-C-T. GRCh37 (hg19) VCF-style: chr5-13729620-C-T.
Other names: short protein forms W3937*.
Identifiers: ClinVar variation 4814854 (VCV004814854.1).